The following is an entry in ClinVar:

ClinVar aggregate classification (germline): Benign/Likely benign. Review status: criteria provided, multiple submitters, no conflicts (2 of 4 stars). 4 submissions from 4 submitters: Benign (3); Likely benign (1). Last evaluated 2026-02-02.

Conditions:
Junctional epidermolysis bullosa, non-Herlitz type. Also called: EPIDERMOLYSIS BULLOSA JUNCTIONALIS, DISENTIS TYPE; EPIDERMOLYSIS BULLOSA JUNCTIONALIS, NON-HERLITZ TYPE; EPIDERMOLYSIS BULLOSA JUNCTIONALIS, PROGRESSIVE; EPIDERMOLYSIS BULLOSA JUNCTIONALIS, SEVERE NONLETHAL; COL17A1-Related Junctional Epidermolysis Bullosa; Epidermolysis bullosa, junctional, non-herlitz type, somatic mosaic revertant. Identifiers: Orphanet 251393, Orphanet 79402, Orphanet 79405, Orphanet 89840, MedGen C0268374, MONDO:0009180, OMIM 226650.

Allele frequency attached by ClinVar (database versions not stated): gnomAD exomes 0.00039 and 0.00099; ExAC 0.00129; 1000 Genomes Project 30x 0.00359; gnomAD 0.00363 and 0.00395; 1000 Genomes Project 0.00379; ESP Exome Variant Server 0.00415; TOPMed 0.00437.
gnomAD v4.1: 1,158 of 1,614,008 alleles (0.072%); highest among the groups gnomAD compares: African/African-American, 1.4%; 4 homozygotes.

Submissions (4):

Labcorp Genetics (formerly Invitae), Labcorp
Classification: Benign. Last evaluated: 2026-02-02. Review status: criteria provided, single submitter. Criteria: Invitae Variant Classification Sherloc (09022015). Collection method: clinical testing. Allele origin: germline.

Blueprint Genetics
Classification: Likely benign. Last evaluated: 2024-06-05. Review status: criteria provided, single submitter. Criteria: ACMG Guidelines, 2015. Collection method: clinical testing. Allele origin: germline.

Illumina Laboratory Services, Illumina
Classification: Benign for Junctional epidermolysis bullosa, non-Herlitz type. Last evaluated: 2018-01-12. Review status: criteria provided, single submitter. Criteria: ICSL Variant Classification Criteria 13 December 2019. Collection method: clinical testing. Allele origin: germline.
Comment: This variant was observed in the ICSL laboratory as part of a predisposition screen in an ostensibly healthy population. It had not been previously curated by ICSL or reported in the Human Gene Mutation Database (HGMD: prior to June 1st, 2018), and was therefore a candidate for classification through an automated scoring system. Utilizing variant allele frequency, disease prevalence and penetrance estimates, and inheritance mode, an automated score was calculated to assess if this variant is too frequent to cause the disease. Based on the score and internal cut-off values, a variant classified as benign is not then subjected to further curation. The score for this variant resulted in a classification of benign for this disease.

Breakthrough Genomics
Classification: Benign. Review status: criteria provided, single submitter. Criteria: ACMG Guidelines, 2015. Collection method: not provided. Allele origin: germline. Inheritance: Autosomal recessive inheritance. Affected: yes.

NM_000494.4(COL17A1):c.3600C>T (p.Asp1200=)

Gene: COL17A1 (collagen type XVII alpha 1 chain; minus strand). Cytogenetic location: 10q25.1.
Variant type: single nucleotide variant.
Coding change: c.3600C>T on transcript NM_000494.4 (MANE Select); coding-DNA position 3600, C replaced by T.
Protein change: p.Asp1200=; no amino-acid change (aspartic acid 1200 retained).
Molecular consequence: synonymous variant.
Genome position (GRCh38, 1-based): chr10:104,035,282, G>A on the plus strand (C>T on the coding strand, the complement: COL17A1 is on the minus strand). VCF-style: chr10-104035282-G-A. GRCh37 (hg19) VCF-style: chr10-105795040-G-A.
Identifiers: ClinVar variation 787368 (VCV000787368.14), dbSNP rs57358586, ClinGen allele CA5677905.